The following is an entry in ClinVar:

ClinVar aggregate classification (germline): Uncertain significance (1 of 4 stars; one submission).

Conditions:
Alzheimer disease 4 (AD4). Identifiers: Orphanet 1020, MedGen C1847200, MONDO:0011743, OMIM 606889.

Allele frequency attached by ClinVar (database versions not stated): gnomAD exomes 0.00001; gnomAD 0.00003 and 0.00004; TOPMed 0.00003.

Submission:

Labcorp Genetics (formerly Invitae), Labcorp
Classification: Uncertain significance for Alzheimer disease 4. Last evaluated: 2021-08-18. Review status: criteria provided, single submitter. Criteria: Invitae Variant Classification Sherloc (09022015). Collection method: clinical testing. Allele origin: germline.
Comment: Algorithms developed to predict the effect of missense changes on protein structure and function (SIFT, PolyPhen-2, Align-GVGD) all suggest that this variant is likely to be disruptive. This sequence change replaces arginine with cysteine at codon 163 of the PSEN2 protein (p.Arg163Cys). The arginine residue is highly conserved and there is a large physicochemical difference between arginine and cysteine. This variant is not present in population databases (ExAC no frequency). This variant has been observed in individual(s) with PSEN2-related conditions (PMID: 30279455, 30822634). ClinVar contains an entry for this variant (Variation ID: 569712). In summary, the available evidence is currently insufficient to determine the role of this variant in disease. Therefore, it has been classified as a Variant of Uncertain Significance.

Literature cited by the submitters: PubMed 30279455; PubMed 30822634.

NM_000447.3(PSEN2):c.487C>T (p.Arg163Cys)

Gene: PSEN2 (presenilin 2; plus strand). Cytogenetic location: 1q42.13.
Variant type: single nucleotide variant.
Coding change: c.487C>T on transcript NM_000447.3 (MANE Select); coding-DNA position 487, C replaced by T.
Protein change: p.Arg163Cys; replaces arginine 163 with cysteine.
Molecular consequence: missense variant.
Genome position (GRCh38, 1-based): chr1:226,885,668, C>T. VCF-style: chr1-226885668-C-T. GRCh37 (hg19) VCF-style: chr1-227073369-C-T.
Other names: c.487C>T, p.Arg163Cys (NM_012486.3); short protein forms R163C.
Identifiers: ClinVar variation 569712 (VCV000569712.9), dbSNP rs200931244, ClinGen allele CA38616630.